The following is an entry in ClinVar:

NM_000211.5(ITGB2):c.163G>C (p.Gly55Arg)

Gene: ITGB2 (integrin subunit beta 2; minus strand). Cytogenetic location: 21q22.3.
Variant type: single nucleotide variant.
Coding change: c.163G>C on transcript NM_000211.5 (MANE Select); coding-DNA position 163, G replaced by C.
Protein change: p.Gly55Arg; replaces glycine 55 with arginine.
Molecular consequence: missense variant. On other transcripts: 5 prime UTR variant (1).
Genome position (GRCh38, 1-based): chr21:44,907,080, C>G on the plus strand (G>C on the coding strand, the complement: ITGB2 is on the minus strand). VCF-style: chr21-44907080-C-G. GRCh37 (hg19) VCF-style: chr21-46326995-C-G.
Other names: c.163G>C (NM_000211.3); c.163G>C, p.Gly55Arg (NM_001127491.3); c.-45G>C (NM_001303238.2); short protein forms G55R.
Identifiers: ClinVar variation 964723 (VCV000964723.7), dbSNP rs778653538, ClinGen allele CA10063307.

ClinVar aggregate classification (germline): Uncertain significance. Review status: criteria provided, multiple submitters, no conflicts (2 of 4 stars). 2 submissions from 2 submitters: Uncertain significance (2). Last evaluated 2025-01-13.

Conditions:
Inborn genetic diseases. Identifiers: MedGen C0950123, MeSH D030342.
Leukocyte adhesion deficiency 1 (LAD1). Also called: LAD 1; Lymphocyte function-associated antigen 1 immunodeficiency; LFA 1 immunodeficiency; LEUKOCYTE ADHESION DEFICIENCY, TYPE I. Identifiers: Orphanet 2968, Orphanet 99842, MedGen C0398738, MONDO:0007293, OMIM 116920.

Allele frequency attached by ClinVar (database versions not stated): ExAC 0.00004; gnomAD exomes 0.00005; TOPMed 0.00007.
gnomAD v4.1: 188 of 1,604,060 alleles (0.012%); highest among the groups gnomAD compares: Non-Finnish European, 0.014%; no homozygotes.

Submissions (2):

Labcorp Genetics (formerly Invitae), Labcorp
Classification: Uncertain significance for Leukocyte adhesion deficiency 1. Last evaluated: 2025-01-13. Review status: criteria provided, single submitter. Criteria: Invitae Variant Classification Sherloc (09022015). Collection method: clinical testing. Allele origin: germline.
Comment: This sequence change replaces glycine, which is neutral and non-polar, with arginine, which is basic and polar, at codon 55 of the ITGB2 protein (p.Gly55Arg). This variant is present in population databases (rs778653538, gnomAD 0.008%). This variant has not been reported in the literature in individuals affected with ITGB2-related conditions. ClinVar contains an entry for this variant (Variation ID: 964723). Invitae Evidence Modeling of protein sequence and biophysical properties (such as structural, functional, and spatial information, amino acid conservation, physicochemical variation, residue mobility, and thermodynamic stability) has been performed for this missense variant. However, the output from this modeling did not meet the statistical confidence thresholds required to predict the impact of this variant on ITGB2 protein function. In summary, the available evidence is currently insufficient to determine the role of this variant in disease. Therefore, it has been classified as a Variant of Uncertain Significance.

Ambry Genetics
Classification: Uncertain significance for Inborn genetic diseases. Last evaluated: 2023-04-25. Review status: criteria provided, single submitter. Criteria: Ambry Variant Classification Scheme 2023. Collection method: clinical testing. Allele origin: germline.